The following is an entry in ClinVar:

ClinVar aggregate classification (germline): Conflicting classifications of pathogenicity. Review status: criteria provided, conflicting classifications (1 of 4 stars). 5 submissions from 5 submitters: Uncertain significance (1); Likely benign (3). 1 of the submissions does not count toward it. Last evaluated 2026-02-01.

Conditions:
OTOF-related disorder. Also called: OTOF-related condition.
Autosomal recessive nonsyndromic hearing loss 9. Also called: Deafness, autosomal recessive 9; AUDITORY NEUROPATHY, AUTOSOMAL RECESSIVE, 1, TEMPERATURE-SENSITIVE; NEUROSENSORY NONSYNDROMIC RECESSIVE DEAFNESS 9; OTOF-Related Hearing Loss. Identifiers: Orphanet 90636, MedGen C1832828, MONDO:0010986, OMIM 601071.

Allele frequency attached by ClinVar (database versions not stated): ExAC 0.00016; gnomAD exomes 0.00019 and 0.00038; TOPMed 0.00023; ESP Exome Variant Server 0.00031; gnomAD 0.00031; 1000 Genomes Project 0.00040; 1000 Genomes Project 30x 0.00047.
gnomAD v4.1: 582 of 1,611,402 alleles (0.036%); highest among the groups gnomAD compares: Non-Finnish European, 0.047%; no homozygotes.

Submissions (5):

Labcorp Genetics (formerly Invitae), Labcorp
Classification: Likely benign. Last evaluated: 2026-02-01. Review status: criteria provided, single submitter. Criteria: Invitae Variant Classification Sherloc (09022015). Collection method: clinical testing. Allele origin: germline.

GeneDx
Classification: Likely benign. Last evaluated: 2020-10-21. Review status: criteria provided, single submitter. Criteria: GeneDx Variant Classification Process June 2021. Collection method: clinical testing. Allele origin: germline. Affected: yes.

Illumina Laboratory Services, Illumina
Classification: Uncertain significance for Autosomal recessive nonsyndromic hearing loss 9. Last evaluated: 2018-01-13. Review status: criteria provided, single submitter. Criteria: ICSL Variant Classification Criteria 13 December 2019. Collection method: clinical testing. Allele origin: germline.

Laboratory for Molecular Medicine, Mass General Brigham Personalized Medicine
Classification: Likely benign. Last evaluated: 2010-09-02. Review status: criteria provided, single submitter. Criteria: LMM Criteria. Collection method: clinical testing. Allele origin: germline. Observed: 1 variant allele.
Comment: Val953Val in exon 23 of OTOF: This variant is not expected to have clinical sign ificance because it does not alter an amino acid residue and is not located near a splice site.

PreventionGenetics, part of Exact Sciences
Classification: Likely benign for OTOF-related condition. Last evaluated: 2024-07-05. Review status: no assertion criteria provided. Collection method: clinical testing. Allele origin: germline. Not counted in ClinVar's aggregate classification.
Comment: This variant is classified as likely benign based on ACMG/AMP sequence variant interpretation guidelines (Richards et al. 2015 PMID: 25741868, with internal and published modifications).

NM_194248.3(OTOF):c.2859C>T (p.Val953=)

Gene: OTOF (otoferlin; minus strand). Cytogenetic location: 2p23.3.
Variant type: single nucleotide variant.
Coding change: c.2859C>T on transcript NM_194248.3 (MANE Select); coding-DNA position 2859, C replaced by T.
Protein change: p.Val953=; no amino-acid change (valine 953 retained).
Molecular consequence: synonymous variant.
Genome position (GRCh38, 1-based): chr2:26,476,135, G>A on the plus strand (C>T on the coding strand, the complement: OTOF is on the minus strand). VCF-style: chr2-26476135-G-A. GRCh37 (hg19) VCF-style: chr2-26699003-G-A.
Other names: c.2859C>T, p.Val953= (NM_001287489.2); c.618C>T, p.Val206= (NM_004802.4, NM_194323.3); c.789C>T, p.Val263= (NM_194322.3).
Identifiers: ClinVar variation 48207 (VCV000048207.20), dbSNP rs77414333, ClinGen allele CA142828.